The following is an entry in ClinVar:

ClinVar aggregate classification (germline): Uncertain significance (1 of 4 stars; one submission).

Allele frequency attached by ClinVar (database versions not stated): gnomAD exomes below 0.00001; TOPMed below 0.00001.
gnomAD v4.1: 1 of 1,613,688 alleles (0.000062%); highest among the groups gnomAD compares: East Asian, 0.0022%; no homozygotes.

Submission:

Labcorp Genetics (formerly Invitae), Labcorp
Classification: Uncertain significance. Last evaluated: 2024-09-17. Review status: criteria provided, single submitter. Criteria: Invitae Variant Classification Sherloc (09022015). Collection method: clinical testing. Allele origin: germline.
Comment: This sequence change replaces aspartic acid, which is acidic and polar, with alanine, which is neutral and non-polar, at codon 307 of the CACNA1D protein (p.Asp307Ala). This variant is not present in population databases (gnomAD no frequency). This variant has not been reported in the literature in individuals affected with CACNA1D-related conditions. ClinVar contains an entry for this variant (Variation ID: 2116460). An algorithm developed to predict the effect of missense changes on protein structure and function (PolyPhen-2) suggests that this variant is likely to be tolerated. In summary, the available evidence is currently insufficient to determine the role of this variant in disease. Therefore, it has been classified as a Variant of Uncertain Significance.

NM_001128840.3(CACNA1D):c.920A>C (p.Asp307Ala)

Gene: CACNA1D (calcium voltage-gated channel subunit alpha1 D; plus strand). Cytogenetic location: 3p21.1.
Variant type: single nucleotide variant.
Coding change: c.920A>C on transcript NM_001128840.3 (MANE Select); coding-DNA position 920, A replaced by C.
Protein change: p.Asp307Ala; replaces aspartic acid 307 with alanine.
Molecular consequence: missense variant.
Genome position (GRCh38, 1-based): chr3:53,666,339, A>C. VCF-style: chr3-53666339-A-C. GRCh37 (hg19) VCF-style: chr3-53700366-A-C.
Other names: c.920A>C, p.Asp307Ala (NM_000720.4, NM_001128839.3); short protein forms D307A.
Identifiers: ClinVar variation 2116460 (VCV002116460.4), dbSNP rs2094263314, ClinGen allele CA353383290.